The following is an entry in ClinVar:

ClinVar aggregate classification (germline): Benign/Likely benign. Review status: criteria provided, multiple submitters, no conflicts (2 of 4 stars). 14 submissions from 14 submitters: Benign (10); Likely benign (1). 3 of the submissions do not count toward it. Last evaluated 2026-02-04.

Conditions:
Hereditary cancer-predisposing syndrome. Also called: Tumor predisposition; Neoplastic Syndromes, Hereditary; Hereditary neoplastic syndrome; Hereditary Cancer Syndrome. Identifiers: Orphanet 140162, MedGen C0027672, MeSH D009386, MONDO:0015356.
Breast-ovarian cancer, familial, susceptibility to, 4. Identifiers: Orphanet 145, MedGen C3280345, MONDO:0013669, OMIM 614291.

Allele frequency attached by ClinVar (database versions not stated): gnomAD exomes 0.09043 and 0.11642; ExAC 0.11842; gnomAD 0.15693 and 0.15951; ESP Exome Variant Server 0.15854; TOPMed 0.16168; 1000 Genomes Project 0.18750; 1000 Genomes Project 30x 0.18957.
gnomAD v4.1: 156,705 of 1,613,868 alleles (9.7%); highest among the groups gnomAD compares: African/African-American, 30%; 10,503 homozygotes.

Submissions (14):

Labcorp Genetics (formerly Invitae), Labcorp
Classification: Benign for Breast-ovarian cancer, familial, susceptibility to, 4. Last evaluated: 2026-02-04. Review status: criteria provided, single submitter. Criteria: Invitae Variant Classification Sherloc (09022015). Collection method: clinical testing. Allele origin: germline.

GeneKor MSA
Classification: Benign for Hereditary cancer-predisposing syndrome. Last evaluated: 2025-07-10. Review status: criteria provided, single submitter. Criteria: ACMG Guidelines, 2015. Collection method: clinical testing. Allele origin: germline.

Blueprint Genetics
Classification: Likely benign. Last evaluated: 2024-11-28. Review status: criteria provided, single submitter. Criteria: ACMG Guidelines, 2015. Collection method: clinical testing. Allele origin: germline.

Myriad Genetics, Inc.
Classification: Benign for Breast-ovarian cancer, familial, susceptibility to, 4. Last evaluated: 2023-04-06. Review status: criteria provided, single submitter. Criteria: Myriad Autosomal Dominant, Autosomal Recessive and X-Linked Classification Criteria (2023). Collection method: clinical testing. Allele origin: unknown.
Comment: This variant is considered benign. This variant is a silent/synonymous amino acid change and it is not expected to impact splicing.

Mayo Clinic Laboratories, Mayo Clinic
Classification: Benign. Last evaluated: 2022-04-08. Review status: criteria provided, single submitter. Criteria: ACMG Guidelines, 2015. Collection method: clinical testing. Allele origin: germline. Observed: 212 variant alleles.

Eurofins Ntd Llc (ga)
Classification: Benign. Last evaluated: 2015-09-11. Review status: criteria provided, single submitter. Criteria: EGL Classification Definitions 2015. Collection method: clinical testing. Allele origin: germline. Observed: 1 variant allele, 1 heterozygote.

Color Diagnostics, LLC DBA Color Health
Classification: Benign for Hereditary cancer-predisposing syndrome. Last evaluated: 2015-03-31. Review status: criteria provided, single submitter. Criteria: ACMG Guidelines, 2015. Collection method: clinical testing. Allele origin: germline.

GeneDx
Classification: Benign. Last evaluated: 2015-03-03. Review status: criteria provided, single submitter. Criteria: GeneDx Variant Classification Process June 2021. Collection method: clinical testing. Allele origin: germline. Affected: yes.

Ambry Genetics
Classification: Benign for Hereditary cancer-predisposing syndrome. Last evaluated: 2014-10-25. Review status: criteria provided, single submitter. Criteria: Ambry Variant Classification Scheme 2023. Collection method: clinical testing. Allele origin: germline.

Breakthrough Genomics
Classification: Benign. Review status: criteria provided, single submitter. Criteria: ACMG Guidelines, 2015. Collection method: not provided. Allele origin: germline. Inheritance: Unknown mechanism. Affected: yes.

PreventionGenetics, part of Exact Sciences
Classification: Benign. Review status: criteria provided, single submitter. Criteria: ACMG Guidelines, 2015. Collection method: clinical testing. Allele origin: germline.

Counsyl
Classification: Benign for Breast-ovarian cancer, familial, susceptibility to, 4. Last evaluated: 2016-06-28. Review status: no assertion criteria provided. Collection method: clinical testing. Allele origin: unknown. Not counted in ClinVar's aggregate classification.

Clinical Genetics Laboratory, Department of Pathology, Netherlands Cancer Institute
Classification: Benign. Review status: no assertion criteria provided. Collection method: clinical testing. Allele origin: germline. Affected: yes. Study: VKGL Data-share Consensus. Not counted in ClinVar's aggregate classification.

Joint Genome Diagnostic Labs from Nijmegen and Maastricht, Radboudumc and MUMC+
Classification: Benign. Review status: no assertion criteria provided. Collection method: clinical testing. Allele origin: germline. Affected: yes. Study: VKGL Data-share Consensus. Not counted in ClinVar's aggregate classification.

NM_002878.4(RAD51D):c.234C>T (p.Ser78=)

Genes: RAD51D (RAD51 paralog D; minus strand), RAD51L3-RFFL (RAD51L3-RFFL readthrough; minus strand). Cytogenetic location: 17q12.
Variant type: single nucleotide variant.
Coding change: c.234C>T on transcript NM_002878.4 (MANE Select); coding-DNA position 234, C replaced by T.
Protein change: p.Ser78=; no amino-acid change (serine 78 retained).
Molecular consequence: synonymous variant. On other transcripts: intron variant (2).
Genome position (GRCh38, 1-based): chr17:35,118,530, G>A on the plus strand (C>T on the coding strand, the complement: RAD51D is on the minus strand). VCF-style: chr17-35118530-G-A. GRCh37 (hg19) VCF-style: chr17-33445549-G-A.
Other names: p.Ser78=; c.144+581C>T (NM_133629.3, NM_001142571.2).
Identifiers: ClinVar variation 183785 (VCV000183785.30), dbSNP rs9901455, ClinGen allele CA186478.